The following is an entry in ClinVar:

ClinVar aggregate classification (germline): Conflicting classifications of pathogenicity. Review status: criteria provided, conflicting classifications (1 of 4 stars). 6 submissions from 6 submitters: Uncertain significance (5); Likely benign (1). Last evaluated 2026-02-02.

Conditions:
Retinal dystrophy. Also called: Inherited retinal dystrophy. Identifiers: Orphanet 71862, MedGen C0854723, MeSH D058499, MONDO:0019118, HP:0000556.
ABCA4-related disorder. Also called: ABCA4-related condition; ABCA4-related disorders. Identifiers: MedGen CN239167.

Allele frequency attached by ClinVar (database versions not stated): gnomAD exomes below 0.00001 and 0.00002; ExAC 0.00002; ESP Exome Variant Server 0.00008; TOPMed 0.00011.

Submissions (6):

PreventionGenetics, part of Exact Sciences
Classification: Uncertain significance for ABCA4-related condition. Last evaluated: 2026-02-02. Review status: criteria provided, single submitter. Criteria: ACMG Guidelines, 2015. Collection method: clinical testing. Allele origin: germline.
Comment: The ABCA4 c.3449G>A variant is predicted to result in the amino acid substitution p.Cys1150Tyr. This variant has been reported in an individual with early-onset Stargardt disease (Lambertus et al. 2015. PubMed ID: 25444351); however, this individual also had two other ABCA4 variants. This variant is reported in 0.025% of alleles in individuals of African descent in gnomAD. At this time, the clinical significance of this variant is uncertain due to the absence of conclusive functional and genetic evidence.

Labcorp Genetics (formerly Invitae), Labcorp
Classification: Uncertain significance. Last evaluated: 2025-08-17. Review status: criteria provided, single submitter. Criteria: Invitae Variant Classification Sherloc (09022015). Collection method: clinical testing. Allele origin: germline.
Comment: This sequence change replaces cysteine, which is neutral and slightly polar, with tyrosine, which is neutral and polar, at codon 1150 of the ABCA4 protein (p.Cys1150Tyr). This variant is present in population databases (rs375783686, gnomAD 0.02%). This missense change has been observed in individual(s) with Stargardt disease (PMID: 25444351). ClinVar contains an entry for this variant (Variation ID: 839622). Invitae Evidence Modeling of protein sequence and biophysical properties (such as structural, functional, and spatial information, amino acid conservation, physicochemical variation, residue mobility, and thermodynamic stability) has been performed for this missense variant. However, the output from this modeling did not meet the statistical confidence thresholds required to predict the impact of this variant on ABCA4 protein function. In summary, the available evidence is currently insufficient to determine the role of this variant in disease. Therefore, it has been classified as a Variant of Uncertain Significance.

Women's Health and Genetics/Laboratory Corporation of America, LabCorp
Classification: Uncertain significance. Last evaluated: 2023-05-22. Review status: criteria provided, single submitter. Criteria: LabCorp Variant Classification Summary - May 2015. Collection method: clinical testing. Allele origin: germline.
Comment: Variant summary: ABCA4 c.3449G>A (p.Cys1150Tyr) results in a non-conservative amino acid change located in the ABC transporter-like, ATP-binding domain (IPR003439) of the encoded protein sequence. Three of five in-silico tools predict a benign effect of the variant on protein function. The variant allele was found at a frequency of 1.6e-05 in 251470 control chromosomes. The available data on variant occurrences in the general population are insufficient to allow any conclusion about variant significance. c.3449G>A has been reported in the literature in individuals affected with Stargardt Disease (e.g., Lambertus_2015, Nassisi_2019, Goetz_2020), however in all individuals, the variant co-occurred with at least two other ABCA4 variants and the phase of variants was unknown. These reports therefore do not provide unequivocal conclusions about association of the variant with Stargardt Disease. To our knowledge, no experimental evidence demonstrating an impact on protein function has been reported. The following publications have been ascertained in the context of this evaluation (PMID: 25444351, 31790517, 32893963). Three clinical diagnostic laboratories (evaluation after 2014) have cited the variant with conflicting assessments: two labs classified the variant as uncertain significance, and one lab classified the variant as likely benign. Based on the evidence outlined above, the variant was classified as uncertain significance.

Blueprint Genetics
Classification: Uncertain significance. Last evaluated: 2022-05-17. Review status: criteria provided, single submitter. Criteria: ACMG Guidelines, 2015. Collection method: clinical testing. Allele origin: germline.

GeneDx
Classification: Likely benign. Last evaluated: 2022-03-29. Review status: criteria provided, single submitter. Criteria: GeneDx Variant Classification Process June 2021. Collection method: clinical testing. Allele origin: germline. Affected: yes.
Comment: Identified in an individual who also had two additional pathogenic variants in ABCA4, but it is not known whether the variants occurred on the same (in cis) or on different (in trans) chromosomes (Lambertus et al, 2015); In silico analysis supports that this missense variant does not alter protein structure/function; This variant is associated with the following publications: (PMID: 25444351)

Institute of Human Genetics, Univ. Regensburg, Univ. Regensburg
Classification: Uncertain significance for Retinal dystrophy. Last evaluated: 2017-01-01. Review status: criteria provided, single submitter. Criteria: ACMG Guidelines, 2015. Collection method: clinical testing. Allele origin: germline. Affected: yes.

Literature cited by the submitters: PubMed 25444351 (cited by 3 submitters); PubMed 32893963 (cited by Women's Health and Genetics/Laboratory Corporation of America, LabCorp); PubMed 31790517 (cited by Women's Health and Genetics/Laboratory Corporation of America, LabCorp); PubMed 3196484 (cited by Institute of Human Genetics, Univ. Regensburg, Univ. Regensburg).

NM_000350.3(ABCA4):c.3449G>A (p.Cys1150Tyr)

Gene: ABCA4 (ATP binding cassette subfamily A member 4; minus strand). Cytogenetic location: 1p22.1.
Variant type: single nucleotide variant.
Coding change: c.3449G>A on transcript NM_000350.3 (MANE Select); coding-DNA position 3449, G replaced by A.
Protein change: p.Cys1150Tyr; replaces cysteine 1150 with tyrosine.
Molecular consequence: missense variant.
Genome position (GRCh38, 1-based): chr1:94,041,282, C>T on the plus strand (G>A on the coding strand, the complement: ABCA4 is on the minus strand). VCF-style: chr1-94041282-C-T. GRCh37 (hg19) VCF-style: chr1-94506838-C-T.
Other names: c.3227G>A, p.Cys1076Tyr (NM_001425324.1); short protein forms C1150Y, C1076Y.
Identifiers: ClinVar variation 839622 (VCV000839622.17), dbSNP rs375783686, ClinGen allele CA957937.